The following is an entry in ClinVar:

NM_000093.5(COL5A1):c.1561A>G (p.Met521Val)

Gene: COL5A1 (collagen type V alpha 1 chain; plus strand). Cytogenetic location: 9q34.3.
Variant type: single nucleotide variant.
Coding change: c.1561A>G on transcript NM_000093.5 (MANE Select); coding-DNA position 1561, A replaced by G.
Protein change: p.Met521Val; replaces methionine 521 with valine.
Molecular consequence: missense variant.
Genome position (GRCh38, 1-based): chr9:134,750,608, A>G. VCF-style: chr9-134750608-A-G. GRCh37 (hg19) VCF-style: chr9-137642454-A-G.
Other names: p.M521V:ATG>GTG; c.1561A>G, p.Met521Val (NM_001278074.1); short protein forms M521V.
Identifiers: ClinVar variation 212935 (VCV000212935.21), dbSNP rs535161301, ClinGen allele CA322993.

ClinVar aggregate classification (germline): Conflicting classifications of pathogenicity. Review status: criteria provided, conflicting classifications (1 of 4 stars). 5 submissions from 5 submitters: Uncertain significance (3); Benign (1); Likely benign (1). Last evaluated 2026-03-13.

Conditions:
Ehlers-Danlos syndrome, classic type, 1 (EDSCL1). Also called: Ehlers-Danlos Syndrome, Classic Type, COL5A1-Related; EHLERS-DANLOS SYNDROME, GRAVIS TYPE; EHLERS-DANLOS SYNDROME, SEVERE CLASSIC TYPE; Ehlers-Danlos syndrome, type 1; EDS I. Identifiers: MedGen C0268335, MONDO:0019567, OMIM 130000.
Familial thoracic aortic aneurysm and aortic dissection (TAAD). Also called: Thoracic aortic aneurysms and dissections. Identifiers: Orphanet 91387, MedGen C4707243, MONDO:0019625.

Allele frequency attached by ClinVar (database versions not stated): TOPMed 0.00002; 1000 Genomes Project 30x 0.00016; gnomAD 0.00001; ExAC 0.00002; gnomAD exomes 0.00001; 1000 Genomes Project 0.00020.
gnomAD v4.1: 33 of 1,613,406 alleles (0.002%); highest among the groups gnomAD compares: Non-Finnish European, 0.0026%; no homozygotes.

Submissions (5):

Women's Health and Genetics/Laboratory Corporation of America, LabCorp
Classification: Likely benign. Last evaluated: 2026-03-13. Review status: criteria provided, single submitter. Criteria: LabCorp Variant Classification Summary - May 2015. Collection method: clinical testing. Allele origin: germline.
Comment: Variant summary: COL5A1 c.1561A>G (p.Met521Val) results in a conservative amino acid change in the encoded protein sequence. Algorithms developed to predict the effect of missense changes on protein structure and function are either unavailable or do not agree on the potential impact of this missense change. The variant allele was found at a frequency of 2.1e-05 in 1606432 control chromosomes, predominantly at a frequency of 2.6e-05 within the Non-Finnish European subpopulation in the gnomAD database. To our knowledge, no occurrence of c.1561A>G in individuals affected with COL5A1-related conditions and no experimental evidence demonstrating its impact on protein function have been reported. ClinVar contains an entry for this variant (Variation ID: 212935). Based on the evidence outlined above, the variant was classified as likely benign.

Labcorp Genetics (formerly Invitae), Labcorp
Classification: Benign for Ehlers-Danlos syndrome, classic type, 1. Last evaluated: 2025-11-25. Review status: criteria provided, single submitter. Criteria: Invitae Variant Classification Sherloc (09022015). Collection method: clinical testing. Allele origin: germline.

Ambry Genetics
Classification: Uncertain significance for Familial thoracic aortic aneurysm and aortic dissection. Last evaluated: 2024-02-29. Review status: criteria provided, single submitter. Criteria: Ambry Variant Classification Scheme 2023. Collection method: clinical testing. Allele origin: germline.
Comment: The p.M521V variant (also known as c.1561A>G), located in coding exon 12 of the COL5A1 gene, results from an A to G substitution at nucleotide position 1561. The methionine at codon 521 is replaced by valine, an amino acid with highly similar properties. This amino acid position is highly conserved in available vertebrate species. In addition, the in silico prediction for this alteration is inconclusive. Based on the available evidence, the clinical significance of this alteration remains unclear.

GeneDx
Classification: Uncertain significance. Last evaluated: 2024-01-30. Review status: criteria provided, single submitter. Criteria: GeneDx Variant Classification Process June 2021. Collection method: clinical testing. Allele origin: germline. Affected: yes.
Comment: Has not been previously published as pathogenic or benign to our knowledge; Not observed at significant frequency in large population cohorts (gnomAD); In silico analysis supports that this missense variant has a deleterious effect on protein structure/function; Not located in the triple helical region, where the majority of pathogenic missense variants occur (PMID: 22696272); This variant is associated with the following publications: (PMID: 22696272)

Victorian Clinical Genetics Services, Murdoch Childrens Research Institute
Classification: Uncertain significance for Ehlers-Danlos syndrome, classic type, 1. Last evaluated: 2023-07-17. Review status: criteria provided, single submitter. Criteria: ACMG Guidelines, 2015. Collection method: clinical testing. Allele origin: germline. Inheritance: Autosomal dominant inheritance. Affected: yes.
Comment: Based on the classification scheme VCGS_Germline_v1.3.4, this variant is classified as VUS-3B. Following criteria are met: 0102 - Loss of function is a known mechanism of disease in this gene and is associated with classic type Ehlers-Danlos syndrome 1 (MIM#130000) whereas the mechanism of disease for multifocal fibromuscular dysplasia (MIM#619329) is unknown. Dominant negative is a suggested mechanism of disease (PMID: 32720758). (I) 0107 - This gene is associated with autosomal dominant disease. (I) 0200 - Variant is predicted to result in a missense amino acid change from methionine to valine. (I) 0251 - This variant is heterozygous. (I) 0302 - Variant is present in gnomAD <0.001 for a dominant condition (v2 & v3: 5 heterozygotes, 0 homozygotes). (SP) 0502 - Missense variant with conflicting in silico predictions and high conservation. (I) 0604 - Variant is not located in an established domain, motif, hotspot or informative constraint region. (I) 0705 - No comparable missense variants have previous evidence for pathogenicity. (I) 0809 - Previous evidence of pathogenicity for this variant is inconclusive. This variant has been reported as a VUS (Clinvar). (I) 0905 - No published segregation evidence has been identified for this variant. (I) 1007 - No published functional evidence has been identified for this variant. (I) 1208 - Inheritance information for this variant is not currently available in this individual. (I) Legend: (SP) - Supporting pathogenic, (I) - Information, (SB) - Supporting benign

Literature cited by the submitters: PubMed 32720758 (cited by Victorian Clinical Genetics Services, Murdoch Childrens Research Institute).